The following is an entry in ClinVar:

ClinVar aggregate classification (germline): Uncertain significance (1 of 4 stars; one submission).

Submission:

Labcorp Genetics (formerly Invitae), Labcorp
Classification: Uncertain significance. Last evaluated: 2021-09-04. Review status: criteria provided, single submitter. Criteria: Invitae Variant Classification Sherloc (09022015). Collection method: clinical testing. Allele origin: germline.
Comment: This sequence change replaces glycine with histidine at codon 319 of the LRRK1 protein (p.Gly319His). The glycine residue is weakly conserved and there is a moderate physicochemical difference between glycine and histidine. This variant has not been reported in the literature in individuals affected with LRRK1-related conditions. Algorithms developed to predict the effect of missense changes on protein structure and function are either unavailable or do not agree on the potential impact of this missense change (SIFT: "Not Available"; PolyPhen-2: "Possibly Damaging"; Align-GVGD: "Not Available"). In summary, the available evidence is currently insufficient to determine the role of this variant in disease. Therefore, it has been classified as a Variant of Uncertain Significance.

NM_024652.6(LRRK1):c.955_956delinsCA (p.Gly319His)

Gene: LRRK1 (leucine rich repeat kinase 1; plus strand). Cytogenetic location: 15q26.3.
Variant type: Indel.
Coding change: c.955_956delinsCA on transcript NM_024652.6 (MANE Select); coding-DNA positions 955 to 956, GG replaced by CA.
Protein change: p.Gly319His; replaces glycine 319 with histidine.
Molecular consequence: missense variant.
Genome position (GRCh38, 1-based): chr15:101,009,029-101,009,030, GG replaced by CA. VCF-style: chr15-101009029-GG-CA. GRCh37 (hg19) VCF-style: chr15-101549234-GG-CA.
Other names: short protein forms G319H.
Identifiers: ClinVar variation 1505953 (VCV001505953.1), dbSNP rs2141691789, ClinGen allele CA2573150643.